The following is an entry in ClinVar:

ClinVar aggregate classification (germline): Pathogenic/Likely pathogenic. Review status: criteria provided, multiple submitters, no conflicts (2 of 4 stars). 20 submissions from 20 submitters: Pathogenic (15); Likely pathogenic (2). 3 of the submissions do not count toward it. Last evaluated 2026-01-31.

Conditions:
Fanconi anemia complementation group N. Also called: PALB2-Related Fanconi Anemia. Identifiers: Orphanet 84, MedGen C1835817, MONDO:0012565, OMIM 610832. Disease mechanism: loss of function.
Pancreatic cancer, susceptibility to, 3. Identifiers: Orphanet 1333, MedGen C3150547, MONDO:0013236, OMIM 613348.
Breast-ovarian cancer, familial, susceptibility to, 5 (BROVCA5). Identifiers: MedGen C5830615, MONDO:0957530, OMIM 620442.
Inherited breast cancer and ovarian cancer.
Breast and/or ovarian cancer. Identifiers: MedGen CN221562.
Familial cancer of breast. Also called: hereditary breast carcinoma; BREAST CANCER, FAMILIAL; Hereditary breast cancer. Identifiers: Orphanet 227535, MedGen C0346153, MONDO:0016419, OMIM 114480. Disease mechanism: loss of function.
Hereditary cancer-predisposing syndrome. Also called: Tumor predisposition; Hereditary neoplastic syndrome; Neoplastic Syndromes, Hereditary; Hereditary Cancer Syndrome. Identifiers: Orphanet 140162, MedGen C0027672, MeSH D009386, MONDO:0015356.
Hereditary breast ovarian cancer syndrome. Also called: Hereditary breast and ovarian cancer syndrome (HBOC); Breast and ovarian cancer; Hereditary breast and ovarian cancer; BRCA1- and BRCA2-Associated Hereditary Breast and Ovarian Cancer; Hereditary breast and ovarian cancer syndrome; Hereditary breast and/or ovarian cancer syndrome. Identifiers: Orphanet 145, MedGen C0677776, MeSH D061325, MONDO:0003582. Disease mechanism: loss of function.

Allele frequency attached by ClinVar (database versions not stated): TOPMed below 0.00001; gnomAD 0.00001.
gnomAD v4.1: 26 of 1,612,200 alleles (0.0016%); highest among the groups gnomAD compares: East Asian, 0.0022%; no homozygotes.

Submissions 1 to 11 of 20:

Labcorp Genetics (formerly Invitae), Labcorp
Classification: Pathogenic for Familial cancer of breast. Last evaluated: 2026-01-31. Review status: criteria provided, single submitter. Criteria: Invitae Variant Classification Sherloc (09022015). Collection method: clinical testing. Allele origin: germline.
Comment: This sequence change creates a premature translational stop signal (p.Gln66*) in the PALB2 gene. It is expected to result in an absent or disrupted protein product. Loss-of-function variants in PALB2 are known to be pathogenic (PMID: 17200668, 17200671, 17200672, 24136930, 25099575). This variant is present in population databases (rs180177083, gnomAD 0.002%). This premature translational stop signal has been observed in individual(s) with breast and ovarian cancer (PMID: 21285249, 21409391, 23448497, 26534844). ClinVar contains an entry for this variant (Variation ID: 126629). For these reasons, this variant has been classified as Pathogenic.

Genetics Laboratory, Great Ormond Street Hospital NHS Foundation Trust, North Thames Genomic Laboratory Hub
Classification: Pathogenic for Inherited breast cancer and ovarian cancer. Last evaluated: 2025-08-13. Review status: criteria provided, single submitter. Criteria: CanVIG PALB2 Gene Specific V1.2. Collection method: clinical testing. Allele origin: germline. Affected: yes.
Comment: PVS1_very-strong, PM5_supporting

Dasa
Classification: Pathogenic for Breast-ovarian cancer, familial, susceptibility to, 5. Last evaluated: 2025-05-23. Review status: criteria provided, single submitter. Criteria: DASA Assertion Criteria. Collection method: clinical testing. Allele origin: germline.
Comment: NM_024675.4(PALB2):c.196C>T (p.Gln66*) introduces a premature termination codon predicted to result in loss of normal protein function. Loss-of-function is an established mechanism of disease for this gene. The affected residue or protein region has prior evidence supporting clinical relevance. This variant has been reported in individuals with Breast-ovarian cancer, familial, susceptibility to, 5 (PMID: 33471991). The variant is present at low frequency in population datasets. Based on the available data, this variant is classified as pathogenic.

Color Diagnostics, LLC DBA Color Health
Classification: Pathogenic for Hereditary cancer-predisposing syndrome. Last evaluated: 2024-09-30. Review status: criteria provided, single submitter. Criteria: ACMG Guidelines, 2015. Collection method: clinical testing. Allele origin: germline.
Comment: This variant changes 1 nucleotide in exon 3 of the PALB2 gene, creating a premature translation stop signal. This variant is expected to result in an absent or non-functional protein product. To our knowledge, functional studies have not been reported for this variant. This variant has been reported in individuals affected with breast cancer (PMID: 21285249, 21409391, 23448497, 23787919, 24206657, 25099575, 26534844, 26786923, 27878467, 34113003). This variant has been detected in a breast cancer case-control meta-analysis in 4/60466 cases and 1/53461 unaffected individuals (PMID: 33471991; Leiden Open Variation Database DB-ID PALB2_010022). This variant has been identified in 2/251474 chromosomes in the general population by the Genome Aggregation Database (gnomAD). Loss of PALB2 function is a known mechanism of disease. Based on the available evidence, this variant is classified as Pathogenic.

Ambry Genetics
Classification: Pathogenic for Hereditary cancer-predisposing syndrome. Last evaluated: 2024-09-13. Review status: criteria provided, single submitter. Criteria: Ambry Variant Classification Scheme 2023. Collection method: clinical testing. Allele origin: germline.
Comment: The p.Q66* pathogenic mutation (also known as c.196C>T), located in coding exon 3 of the PALB2 gene, results from a C to T substitution at nucleotide position 196. This changes the amino acid from a glutamine to a stop codon within coding exon 3. This mutation has been identified in multiple individuals and families of various ethnicities with breast cancer (Casadei S et al. Cancer Res, 2011 Mar;71:2222-9; Wong MW et al. Breast Cancer Res Treat, 2011 Jun;127:853-9; Teo ZL et al. Breast Cancer Res., 2013 Feb;15:R17; Nguyen-Dumont T et al. BMC Med Genomics, 2013 Nov;6:48; Antoniou AC et al. N Engl J Med, 2014 Aug;371:497-506; Thompson ER et al. Breast Cancer Res, 2015 Aug;17:111; Li J et al. J Med Genet, 2016 Jan;53:34-42; Thompson ER et al. J Clin Oncol, 2016 May;34:1455-9; Woodward ER et al. Genet Med, 2021 Jun; Dorling et al. N Engl J Med. 2021 02;384:428-439). In addition to the clinical data presented in the literature, this alteration is expected to result in loss of function by premature protein truncation or nonsense-mediated mRNA decay. As such, this alteration is interpreted as a disease-causing mutation.

Fulgent Genetics
Classification: Pathogenic for Fanconi anemia complementation group N; Pancreatic cancer, susceptibility to, 3; Breast-ovarian cancer, familial, susceptibility to, 5. Last evaluated: 2024-03-07. Review status: criteria provided, single submitter. Criteria: ACMG Guidelines, 2015. Collection method: clinical testing. Allele origin: germline.

Baylor Genetics
Classification: Pathogenic for Familial cancer of breast. Last evaluated: 2024-03-02. Review status: criteria provided, single submitter. Criteria: ACMG Guidelines, 2015. Collection method: clinical testing. Allele origin: unknown.

GeneDx
Classification: Pathogenic. Last evaluated: 2023-11-09. Review status: criteria provided, single submitter. Criteria: GeneDx Variant Classification Process June 2021. Collection method: clinical testing. Allele origin: germline. Affected: yes.
Comment: Nonsense variant predicted to result in protein truncation or nonsense mediated decay in a gene for which loss-of-function is a known mechanism of disease; Not observed at significant frequency in large population cohorts (gnomAD); Truncating variants in this gene are considered pathogenic by a well-established clinical consortium and/or database; This variant is associated with the following publications: (PMID: 21409391, 25447460, 17420451, 27878467, 22692731, 25099575, 25863477, 26283626, 25525159, 23935381, 24206657, 27485037, 23448497, 26534844, 24870022, 28779002, 26786923, 21285249, 32853339, 34308104, 33763779, 33113089, 28888541, 34113003, 29922827, 33471991)

Mayo Clinic Laboratories, Mayo Clinic
Classification: Likely pathogenic. Last evaluated: 2023-10-30. Review status: criteria provided, single submitter. Criteria: ACMG Guidelines, 2015. Collection method: clinical testing. Allele origin: germline. Observed: 1 variant allele.
Comment: PM2, PVS1

Myriad Genetics, Inc.
Classification: Pathogenic for Familial cancer of breast. Last evaluated: 2023-03-31. Review status: criteria provided, single submitter. Criteria: Myriad Autosomal Dominant, Autosomal Recessive and X-Linked Classification Criteria (2023). Collection method: clinical testing. Allele origin: unknown.
Comment: This variant is considered pathogenic. This variant creates a termination codon and is predicted to result in premature protein truncation.

Quest Diagnostics Nichols Institute San Juan Capistrano
Classification: Pathogenic. Last evaluated: 2021-03-30. Review status: criteria provided, single submitter. Criteria: Quest Diagnostics criteria. Collection method: clinical testing. Allele origin: unknown.
Comment: This nonsense variant causes the premature termination of PALB2 protein synthesis. In addition, it has been reported in individuals and families affected with breast and/or ovarian cancer in the published literature (PMIDs: 21285249 (2011), 21409391 (2011), 23448497 (2013), 26534844 (2016), 27878467 (2016), and 28779002 (2017)). Based on the available information, this variant is classified as pathogenic.

NM_024675.4(PALB2):c.196C>T (p.Gln66Ter)

Gene: PALB2 (partner and localizer of BRCA2; minus strand). Cytogenetic location: 16p12.2.
Variant type: single nucleotide variant.
Coding change: c.196C>T on transcript NM_024675.4 (MANE Select); coding-DNA position 196, C replaced by T.
Protein change: p.Gln66Ter; replaces glutamine 66 with a stop codon.
Molecular consequence: nonsense.
Genome position (GRCh38, 1-based): chr16:23,637,865, G>A on the plus strand (C>T on the coding strand, the complement: PALB2 is on the minus strand). VCF-style: chr16-23637865-G-A. GRCh37 (hg19) VCF-style: chr16-23649186-G-A.
Other names: short protein forms Q66*.
Identifiers: ClinVar variation 126629 (VCV000126629.51), dbSNP rs180177083, ClinGen allele CA187393.
Genomic context (GRCh38, chr16:23,637,865, plus strand): 5'-GGAAATGAATAATAAAGCAGGCATAAGTGAATGGTCTAGATTTACCTGAGTGTTTTAGCT[G>A]CGGTGAGAGATCCTGCTGAGACAAACAATCTTGTTCTTCTACTGTTTTCTTAATAGAATG-3'